The following is an entry in ClinVar:

ClinVar aggregate classification (germline): Uncertain significance (1 of 4 stars; one submission).

Submission:

Labcorp Genetics (formerly Invitae), Labcorp
Classification: Uncertain significance. Last evaluated: 2023-01-17. Review status: criteria provided, single submitter. Criteria: Invitae Variant Classification Sherloc (09022015). Collection method: clinical testing. Allele origin: germline.
Comment: In summary, the available evidence is currently insufficient to determine the role of this variant in disease. Therefore, it has been classified as a Variant of Uncertain Significance. An algorithm developed to predict the effect of missense changes on protein structure and function (PolyPhen-2) suggests that this variant is likely to be disruptive. This variant has not been reported in the literature in individuals affected with RIPK1-related conditions. This variant is not present in population databases (gnomAD no frequency). This sequence change replaces tyrosine, which is neutral and polar, with cysteine, which is neutral and slightly polar, at codon 255 of the RIPK1 protein (p.Tyr255Cys).

NM_001354930.2(RIPK1):c.764A>G (p.Tyr255Cys)

Gene: RIPK1 (receptor interacting serine/threonine kinase 1; plus strand). Cytogenetic location: 6p25.2.
Variant type: single nucleotide variant.
Coding change: c.764A>G on transcript NM_001354930.2 (MANE Select); coding-DNA position 764, A replaced by G.
Protein change: p.Tyr255Cys; replaces tyrosine 255 with cysteine.
Molecular consequence: missense variant.
Genome position (GRCh38, 1-based): chr6:3,085,334, A>G. VCF-style: chr6-3085334-A-G. GRCh37 (hg19) VCF-style: chr6-3085568-A-G.
Other names: c.275A>G, p.Tyr92Cys (NM_001317061.3, NM_001354932.2, NM_001354933.2 and 1 more transcripts); c.626A>G, p.Tyr209Cys (NM_001354931.2); c.764A>G, p.Tyr255Cys (NM_003804.6); short protein forms Y92C, Y255C, Y209C.
Identifiers: ClinVar variation 2829649 (VCV002829649.3), dbSNP rs567232503, ClinGen allele CA362580634.